The following is an entry in ClinVar:

NM_003001.5(SDHC):c.211C>T (p.His71Tyr)

Gene: SDHC (succinate dehydrogenase complex subunit C; plus strand). Cytogenetic location: 1q23.3.
Variant type: single nucleotide variant.
Coding change: c.211C>T on transcript NM_003001.5 (MANE Select); coding-DNA position 211, C replaced by T.
Protein change: p.His71Tyr; replaces histidine 71 with tyrosine.
Molecular consequence: missense variant.
Genome position (GRCh38, 1-based): chr1:161,340,625, C>T. VCF-style: chr1-161340625-C-T. GRCh37 (hg19) VCF-style: chr1-161310415-C-T.
Other names: c.211C>T, p.His71Tyr (NM_001035511.3); c.109C>T, p.His37Tyr (NM_001035512.3, NM_001278172.3, NM_001407118.1); c.52C>T, p.His18Tyr (NM_001035513.3); c.331C>T, p.His111Tyr (NM_001407115.1); c.154C>T, p.His52Tyr (NM_001407116.1, NM_001407117.1, NM_001407121.1); c.100C>T, p.His34Tyr (NM_001407119.1, NM_001407120.1); short protein forms H111Y, H37Y, H18Y, H34Y, H52Y, H71Y.
Identifiers: ClinVar variation 1935251 (VCV001935251.6), dbSNP rs2526445009, ClinGen allele CA343365898.

ClinVar aggregate classification (germline): Uncertain significance. Review status: criteria provided, multiple submitters, no conflicts (2 of 4 stars). 2 submissions from 2 submitters: Uncertain significance (2). Last evaluated 2023-12-18.

Conditions:
Pheochromocytoma/paraganglioma syndrome 3. Also called: SDHC-Related Hereditary Paraganglioma-Pheochromocytoma Syndrome (Paragangliomas 3); SDHC-Related Hereditary Paraganglioma-Pheochromocytoma Syndrome; GLOMUS TUMORS, FAMILIAL, 3; Paragangliomas 3. Identifiers: Orphanet 29072, MedGen C1854336, MONDO:0011544, OMIM 605373.
Gastrointestinal stromal tumor. Also called: Gastrointestinal stromal tumor, somatic; Gastrointestinal stroma tumor. Identifiers: Orphanet 44890, MedGen C0238198, MeSH D046152, MONDO:0011719, OMIM 606764, HP:0100723.
Hereditary pheochromocytoma and paraganglioma. Also called: Hereditary pheochromocytoma-paraganglioma; Hereditary Paraganglioma-Pheochromocytoma Syndromes; Hereditary paragangliomas and pheochromocytomas. Identifiers: Orphanet 29072, MedGen C4274332, MONDO:0017366.

Submissions (2):

Labcorp Genetics (formerly Invitae), Labcorp
Classification: Uncertain significance for Pheochromocytoma/paraganglioma syndrome 3; Gastrointestinal stromal tumor. Last evaluated: 2023-12-18. Review status: criteria provided, single submitter. Criteria: Invitae Variant Classification Sherloc (09022015). Collection method: clinical testing. Allele origin: germline.
Comment: This sequence change replaces histidine, which is basic and polar, with tyrosine, which is neutral and polar, at codon 71 of the SDHC protein (p.His71Tyr). This variant is not present in population databases (gnomAD no frequency). This variant has not been reported in the literature in individuals affected with SDHC-related conditions. ClinVar contains an entry for this variant (Variation ID: 1935251). An algorithm developed to predict the effect of missense changes on protein structure and function (PolyPhen-2) suggests that this variant is likely to be disruptive. In summary, the available evidence is currently insufficient to determine the role of this variant in disease. Therefore, it has been classified as a Variant of Uncertain Significance.

All of Us Research Program, National Institutes of Health
Classification: Uncertain significance for Hereditary pheochromocytoma and paraganglioma. Last evaluated: 2023-06-28. Review status: criteria provided, single submitter. Criteria: ACMG Guidelines, 2015. Collection method: clinical testing. Allele origin: germline. Inheritance: Autosomal dominant inheritance. Observed: 1 variant allele, 1 heterozygote.
Comment: This study involves interpretation of variants in research participants for the purpose of population health screening. Participant phenotype was not available at the time of variant classification. Additional details can be found in publication PMID: 35346344, PMCID: PMC8962531